The following is an entry in ClinVar:

NM_000144.5(FXN):c.494G>A (p.Arg165His)

Gene: FXN (frataxin; plus strand). Cytogenetic location: 9q21.11.
Variant type: single nucleotide variant.
Coding change: c.494G>A on transcript NM_000144.5 (MANE Select); coding-DNA position 494, G replaced by A.
Protein change: p.Arg165His; replaces arginine 165 with histidine.
Molecular consequence: missense variant.
Genome position (GRCh38, 1-based): chr9:69,072,623, G>A. VCF-style: chr9-69072623-G-A. GRCh37 (hg19) VCF-style: chr9-71687539-G-A.
Other names: c.502G>A, p.Val168Ile (NM_181425.3); short protein forms R165H, V168I.
Identifiers: ClinVar variation 4885126 (VCV004885126.2).

ClinVar aggregate classification (germline): Uncertain significance (1 of 4 stars; one submission).

gnomAD v4.1: 32 of 1,613,992 alleles (0.002%); highest among the groups gnomAD compares: Admixed American, 0.005%; no homozygotes.

Submission:

Dasa
Classification: Uncertain significance. Last evaluated: 2025-05-22. Review status: criteria provided, single submitter. Criteria: DASA Assertion Criteria. Collection method: clinical testing. Allele origin: germline.
Comment: NM_000144.5(FXN):c.494G>A (p.Arg165His) is a missense variant that results in the substitution of arginine with histidine. This variant is rare in population databases. Computational prediction algorithms are consistent with a deleterious effect. The currently available literature and clinical evidence are not sufficient to establish a definitive association between this variant and the reported condition. Therefore, this variant is classified as a variant of uncertain significance.